The following continues an entry in ClinVar:

NM_001267550.2(TTN):c.69676A>G (p.Ser23226Gly)

ClinVar aggregate classification (germline): Benign/Likely benign. Benign (17); Likely benign (7).

Submissions 20 to 54 of 67:

Eurofins Ntd Llc (ga)
Classification: Benign. Last evaluated: 2015-07-02. Review status: criteria provided, single submitter. Criteria: EGL Classification Definitions 2015. Collection method: clinical testing. Allele origin: germline. Observed: 1 variant allele, 1 heterozygote.

Laboratory for Molecular Medicine, Mass General Brigham Personalized Medicine
Classification: Benign. Last evaluated: 2015-01-26. Review status: criteria provided, single submitter. Criteria: LMM Criteria. Collection method: clinical testing. Allele origin: germline. Observed: 37 variant alleles.
Comment: p.Ser20658Gly in exon 274 of TTN: This variant is not expected to have clinical significance because it has been identified in 1.1% (182/16506) of South Asian c hromosomes by the Exome Aggregation Consortium (ExAC .org; dbSNP rs72646885).

Ambry Genetics
Classification: Benign for Cardiovascular phenotype. Last evaluated: 2013-10-24. Review status: criteria provided, single submitter. Criteria: Ambry Autosomal Dominant and X-Linked criteria (10/2015). Collection method: clinical testing. Allele origin: germline. Observed: 1 variant allele.

Biesecker Lab/Clinical Genomics Section, National Institutes of Health
Classification: Benign. Last evaluated: 2013-06-24. Review status: criteria provided, single submitter. Criteria: Ng et al. (Circ Cardiovasc Genet. 2013). Collection method: research. Allele origin: unknown. Observed: 22 variant alleles. Study: ClinSeq.
Comment: The study set was not selected for affection status in relation to any cancer. Pathogenicity categories were based on literature curation. See Pubmed ID:23861362 for details.

Medical sequencing

Breakthrough Genomics
Classification: Likely benign. Review status: criteria provided, single submitter. Criteria: ACMG Guidelines, 2015. Collection method: not provided. Allele origin: germline. Inheritance: Autosomal recessive inheritance. Affected: yes.

PreventionGenetics, part of Exact Sciences
Classification: Benign for TTN-related condition. Last evaluated: 2019-05-02. Review status: no assertion criteria provided. Collection method: clinical testing. Allele origin: germline. Not counted in ClinVar's aggregate classification.
Comment: This variant is classified as benign based on ACMG/AMP sequence variant interpretation guidelines (Richards et al. 2015 PMID: 25741868, with internal and published modifications).

Clinical Genetics DNA and cytogenetics Diagnostics Lab, Erasmus MC, Erasmus Medical Center
Classification: Benign. Review status: no assertion criteria provided. Collection method: clinical testing. Allele origin: germline. Affected: yes. Study: VKGL Data-share Consensus. Not counted in ClinVar's aggregate classification.

Clinical Genetics, Academic Medical Center
Classification: Benign. Review status: no assertion criteria provided. Collection method: clinical testing. Allele origin: germline. Affected: yes. Study: VKGL Data-share Consensus. Not counted in ClinVar's aggregate classification.

Diagnostic Laboratory, Department of Genetics, University Medical Center Groningen
Classification: Likely benign. Review status: no assertion criteria provided. Collection method: clinical testing. Allele origin: germline. Affected: yes. Study: VKGL Data-share Consensus. Not counted in ClinVar's aggregate classification.

Dr. Peter K. Rogan Lab, Western University
No classification provided (evidence only). Condition: Clear cell carcinoma of kidney. Review status: no classification provided. Collection method: in vitro. Allele origin: not applicable. Functional consequence: retained intron. Not counted in ClinVar's aggregate classification.

Dr. Peter K. Rogan Lab, Western University
No classification provided (evidence only). Condition: Clear cell carcinoma of kidney. Review status: no classification provided. Collection method: in vitro. Allele origin: not applicable. Functional consequence: retained intron. Not counted in ClinVar's aggregate classification.

Dr. Peter K. Rogan Lab, Western University
No classification provided (evidence only). Condition: Clear cell carcinoma of kidney. Review status: no classification provided. Collection method: in vitro. Allele origin: not applicable. Functional consequence: retained intron. Not counted in ClinVar's aggregate classification.

Dr. Peter K. Rogan Lab, Western University
No classification provided (evidence only). Condition: Lung cancer. Review status: no classification provided. Collection method: in vitro. Allele origin: not applicable. Functional consequence: retained intron. Not counted in ClinVar's aggregate classification.

Dr. Peter K. Rogan Lab, Western University
No classification provided (evidence only). Condition: Lung cancer. Review status: no classification provided. Collection method: in vitro. Allele origin: not applicable. Functional consequence: retained intron. Not counted in ClinVar's aggregate classification.

Dr. Peter K. Rogan Lab, Western University
No classification provided (evidence only). Condition: Melanoma. Review status: no classification provided. Collection method: in vitro. Allele origin: not applicable. Functional consequence: retained intron. Not counted in ClinVar's aggregate classification.

Dr. Peter K. Rogan Lab, Western University
No classification provided (evidence only). Condition: Melanoma. Review status: no classification provided. Collection method: in vitro. Allele origin: not applicable. Functional consequence: retained intron. Not counted in ClinVar's aggregate classification.

Dr. Peter K. Rogan Lab, Western University
No classification provided (evidence only). Condition: Colon adenocarcinoma. Review status: no classification provided. Collection method: in vitro. Allele origin: not applicable. Functional consequence: retained intron. Not counted in ClinVar's aggregate classification.

Dr. Peter K. Rogan Lab, Western University
No classification provided (evidence only). Condition: Thyroid cancer, nonmedullary, 1. Review status: no classification provided. Collection method: in vitro. Allele origin: not applicable. Functional consequence: retained intron. Not counted in ClinVar's aggregate classification.

Dr. Peter K. Rogan Lab, Western University
No classification provided (evidence only). Condition: Thyroid cancer, nonmedullary, 1. Review status: no classification provided. Collection method: in vitro. Allele origin: not applicable. Functional consequence: retained intron. Not counted in ClinVar's aggregate classification.

Dr. Peter K. Rogan Lab, Western University
No classification provided (evidence only). Condition: Thyroid cancer, nonmedullary, 1. Review status: no classification provided. Collection method: in vitro. Allele origin: not applicable. Functional consequence: retained intron. Not counted in ClinVar's aggregate classification.

Dr. Peter K. Rogan Lab, Western University
No classification provided (evidence only). Condition: Thyroid cancer, nonmedullary, 1. Review status: no classification provided. Collection method: in vitro. Allele origin: not applicable. Functional consequence: retained intron. Not counted in ClinVar's aggregate classification.

Dr. Peter K. Rogan Lab, Western University
No classification provided (evidence only). Condition: Thyroid cancer, nonmedullary, 1. Review status: no classification provided. Collection method: in vitro. Allele origin: not applicable. Functional consequence: retained intron. Not counted in ClinVar's aggregate classification.

Dr. Peter K. Rogan Lab, Western University
No classification provided (evidence only). Condition: Cervical cancer. Review status: no classification provided. Collection method: in vitro. Allele origin: not applicable. Functional consequence: retained intron. Not counted in ClinVar's aggregate classification.

Dr. Peter K. Rogan Lab, Western University
No classification provided (evidence only). Condition: Cervical cancer. Review status: no classification provided. Collection method: in vitro. Allele origin: not applicable. Functional consequence: retained intron. Not counted in ClinVar's aggregate classification.

Dr. Peter K. Rogan Lab, Western University
No classification provided (evidence only). Condition: Cervical cancer. Review status: no classification provided. Collection method: in vitro. Allele origin: not applicable. Functional consequence: retained intron. Not counted in ClinVar's aggregate classification.

Dr. Peter K. Rogan Lab, Western University
No classification provided (evidence only). Condition: Cervical cancer. Review status: no classification provided. Collection method: in vitro. Allele origin: not applicable. Functional consequence: retained intron. Not counted in ClinVar's aggregate classification.

Dr. Peter K. Rogan Lab, Western University
No classification provided (evidence only). Condition: Sarcoma. Review status: no classification provided. Collection method: in vitro. Allele origin: not applicable. Functional consequence: retained intron. Not counted in ClinVar's aggregate classification.

Dr. Peter K. Rogan Lab, Western University
No classification provided (evidence only). Condition: Sarcoma. Review status: no classification provided. Collection method: in vitro. Allele origin: not applicable. Functional consequence: retained intron. Not counted in ClinVar's aggregate classification.

Dr. Peter K. Rogan Lab, Western University
No classification provided (evidence only). Condition: Ovarian serous cystadenocarcinoma. Review status: no classification provided. Collection method: in vitro. Allele origin: not applicable. Functional consequence: retained intron. Not counted in ClinVar's aggregate classification.

Dr. Peter K. Rogan Lab, Western University
No classification provided (evidence only). Condition: Ovarian serous cystadenocarcinoma. Review status: no classification provided. Collection method: in vitro. Allele origin: not applicable. Functional consequence: retained intron. Not counted in ClinVar's aggregate classification.

Dr. Peter K. Rogan Lab, Western University
No classification provided (evidence only). Condition: Gastric cancer. Review status: no classification provided. Collection method: in vitro. Allele origin: not applicable. Functional consequence: retained intron. Not counted in ClinVar's aggregate classification.

Dr. Peter K. Rogan Lab, Western University
No classification provided (evidence only). Condition: Gastric cancer. Review status: no classification provided. Collection method: in vitro. Allele origin: not applicable. Functional consequence: retained intron. Not counted in ClinVar's aggregate classification.

Dr. Peter K. Rogan Lab, Western University
No classification provided (evidence only). Condition: Gastric cancer. Review status: no classification provided. Collection method: in vitro. Allele origin: not applicable. Functional consequence: retained intron. Not counted in ClinVar's aggregate classification.

Dr. Peter K. Rogan Lab, Western University
No classification provided (evidence only). Condition: Uterine carcinosarcoma. Review status: no classification provided. Collection method: in vitro. Allele origin: not applicable. Functional consequence: retained intron. Not counted in ClinVar's aggregate classification.

Dr. Peter K. Rogan Lab, Western University
No classification provided (evidence only). Condition: Malignant tumor of esophagus. Review status: no classification provided. Collection method: in vitro. Allele origin: not applicable. Functional consequence: retained intron. Not counted in ClinVar's aggregate classification.